The following is an entry in ClinVar:

NM_198253.3(TERT):c.1589C>A (p.Pro530Gln)

Gene: TERT (telomerase reverse transcriptase; minus strand). Cytogenetic location: 5p15.33.
Variant type: single nucleotide variant.
Coding change: c.1589C>A on transcript NM_198253.3 (MANE Select); coding-DNA position 1589, C replaced by A.
Protein change: p.Pro530Gln; replaces proline 530 with glutamine.
Molecular consequence: missense variant. On other transcripts: non-coding transcript variant (2).
Genome position (GRCh38, 1-based): chr5:1,282,609, G>T on the plus strand (C>A on the coding strand, the complement: TERT is on the minus strand). VCF-style: chr5-1282609-G-T. GRCh37 (hg19) VCF-style: chr5-1282724-G-T.
Other names: c.1589C>A, p.Pro530Gln (NM_001193376.3); short protein forms P530Q.
Identifiers: ClinVar variation 1359229 (VCV001359229.46), dbSNP rs369539932, ClinGen allele CA359083576.

ClinVar aggregate classification (germline): Uncertain significance (1 of 4 stars; one submission).

Conditions:
Idiopathic Pulmonary Fibrosis. Also called: Idiopathic fibrosing alveolitis, chronic form; idiopathic fibrosing alveolitis. Identifiers: Orphanet 2032, MedGen C1800706, MeSH D054990, MONDO:0800504.
Dyskeratosis congenita, autosomal dominant 2. Identifiers: MedGen C3151443, MONDO:0013521, OMIM 613989.

gnomAD v4.1: 3 of 1,613,990 alleles (0.00019%); highest among the groups gnomAD compares: South Asian, 0.0011%; no homozygotes.

Submission:

Labcorp Genetics (formerly Invitae), Labcorp
Classification: Uncertain significance for Dyskeratosis congenita, autosomal dominant 2; Idiopathic Pulmonary Fibrosis. Last evaluated: 2024-04-22. Review status: criteria provided, single submitter. Criteria: Invitae Variant Classification Sherloc (09022015). Collection method: clinical testing. Allele origin: germline.
Comment: This sequence change replaces proline, which is neutral and non-polar, with glutamine, which is neutral and polar, at codon 530 of the TERT protein (p.Pro530Gln). This variant is present in population databases (no rsID available, gnomAD 0.002%). This variant has not been reported in the literature in individuals affected with TERT-related conditions. ClinVar contains an entry for this variant (Variation ID: 1359229). Advanced modeling of protein sequence and biophysical properties (such as structural, functional, and spatial information, amino acid conservation, physicochemical variation, residue mobility, and thermodynamic stability) performed at Invitae indicates that this missense variant is expected to disrupt TERT protein function with a positive predictive value of 95%. Algorithms developed to predict the effect of sequence changes on RNA splicing suggest that this variant may create or strengthen a splice site. In summary, the available evidence is currently insufficient to determine the role of this variant in disease. Therefore, it has been classified as a Variant of Uncertain Significance.